The following is an entry in ClinVar:

NM_198904.4(GABRG2):c.429del (p.Ile145fs)

Gene: GABRG2 (gamma-aminobutyric acid type A receptor subunit gamma2; plus strand). Cytogenetic location: 5q34.
Variant type: Deletion.
Coding change: c.429del on transcript NM_198904.4 (MANE Select); coding-DNA position 429, one base deleted (G; older notation c.429delG).
Protein change: p.Ile145fs; shifts the reading frame from isoleucine 145.
Molecular consequence: frameshift variant.
Genome position (GRCh38, 1-based): chr5:162,097,739, G deleted; the last of 4 consecutive G bases (chr5:162,097,736-162,097,739); deleting any one gives the same sequence. VCF-style (leftmost placement, unchanged base first): chr5-162097735-TG-T. GRCh37 (hg19) VCF-style: chr5-161524741-TG-T.
Other names: c.429del, p.Ile145fs (NM_000816.3, NM_001375340.1, NM_001375341.1 and 4 more transcripts); c.420del, p.Ile142fs (NM_001375339.1); c.363del, p.Ile123fs (NM_001375345.1, NM_001375346.1); c.342del, p.Ile116fs (NM_001375347.1); c.9del, p.Ile5fs (NM_001375348.1, NM_001375350.1); c.144del, p.Ile50fs (NM_001375349.1); short protein forms I116fs, I123fs, I142fs, I145fs, I50fs, I5fs.
Identifiers: ClinVar variation 3383966 (VCV003383966.2).

ClinVar aggregate classification (germline): Pathogenic (1 of 4 stars; one submission).

Conditions:
Febrile seizures, familial, 8 (FEB8). Also called: CONVULSIONS, FAMILIAL FEBRILE, 8. Identifiers: Orphanet 36387, MedGen C1969810, MONDO:0011891, OMIM 607681.

Submission:

Molecular Genetics Laboratory, Motol Hospital
Classification: Pathogenic for Febrile seizures, familial, 8. Last evaluated: 2024-12-06. Review status: criteria provided, single submitter. Criteria: ACMG Guidelines, 2015. Collection method: clinical testing. Allele origin: de novo. Affected: yes. Observed: 1 variant allele.
Comment: The variant was confirmed to be of a de novo origin. Rare truncating variants affecting the GABRG2 gene are documented as a molecular cause of autosomal dominant "generalized epilepsy with febrile seizures plus, type 3" and "familial febrile seizures 8" (OMIM:607861) (PMID:24407264;22750526;22539854;35359574;27864268). The alternative rare truncating variant NM_198904.4(GABRG2):c.429dup is classified as pathogenic (ClinVar Variation ID: 1071103). To conclude, the variant is classified as pathogenic (ACMG PVS1, PM2, PS2).

Literature cited by the submitters: PubMed 24407264; PubMed 22750526; PubMed 22539854; PubMed 35359574; PubMed 27864268.